The following is an entry in ClinVar:

NM_183050.4(BCKDHB):c.776del (p.Pro259fs)

Gene: BCKDHB (branched chain keto acid dehydrogenase E1 subunit beta; plus strand). Cytogenetic location: 6q14.1.
Variant type: Deletion.
Coding change: c.776del on transcript NM_183050.4 (MANE Select); coding-DNA position 776, one base deleted (C; older notation c.776delC).
Protein change: p.Pro259fs; shifts the reading frame from proline 259.
Molecular consequence: frameshift variant. On other transcripts: non-coding transcript variant (1).
Genome position (GRCh38, 1-based): chr6:80,200,967, C deleted; the last of 3 consecutive C bases (chr6:80,200,965-80,200,967); deleting any one gives the same sequence. VCF-style (leftmost placement, unchanged base first): chr6-80200964-TC-T. GRCh37 (hg19) VCF-style: chr6-80910681-TC-T.
Other names: c.776del, p.Pro259fs (NM_000056.5); c.566del, p.Pro189fs (NM_001318975.1); short protein forms P189fs, P259fs.
Identifiers: ClinVar variation 424275 (VCV000424275.2), dbSNP rs1064796892, ClinGen allele CA16618333.
Genomic context (GRCh38, chr6:80,200,964, plus strand): 5'-CCTTTTTTTTTTTTCCTGTTCTGTATTTAGCGGAAGAAGTCCCTATAGAACCATACAACA[TC>T]CCACTGTCCCAGGCCGAAGTCATACAGGAAGGGAGTGATGTTACTCTAGTTGCCTGGGGC-3'

ClinVar aggregate classification (germline): Pathogenic (1 of 4 stars; one submission).

Submission:

GeneDx
Classification: Pathogenic. Last evaluated: 2017-03-15. Review status: criteria provided, single submitter. Criteria: GeneDx Variant Classification (06012015). Collection method: clinical testing. Allele origin: germline. Affected: yes.
Comment: Thec.776delC variant has not been published as a pathogenic variant, nor has it been reported as a benignvariant to our knowledge. The c.776delC variant in the BCKDHB gene causes a frameshift startingwith codon Proline 259, changes this amino acid to a Histidine residue and creates a premature Stopcodon at position 16 of the new reading frame denoted p.P259HfsX16. This variant is predicted tocause loss of normal protein function either through protein truncation or nonsense-mediated mRNAdecay. The c.776delC variant is not observed in large population cohorts (Lek et al., 2016; 1000Genomes Consortium et al., 2015; Exome Variant Server). In summary, this variant is pathogenic.